The following is an entry in ClinVar:

NM_001267550.2(TTN):c.54230T>C (p.Ile18077Thr)

Genes: TTN (titin; minus strand), TTN-AS1 (TTN antisense RNA 1; plus strand). Cytogenetic location: 2q31.2.
Variant type: single nucleotide variant.
Coding change: c.54230T>C on transcript NM_001267550.2 (MANE Select); coding-DNA position 54230, T replaced by C.
Protein change: p.Ile18077Thr; replaces isoleucine 18077 with threonine.
Molecular consequence: missense variant. On other transcripts: non-coding transcript variant (1).
Genome position (GRCh38, 1-based): chr2:178,604,859, A>G on the plus strand (T>C on the coding strand, the complement: TTN is on the minus strand). VCF-style: chr2-178604859-A-G. GRCh37 (hg19) VCF-style: chr2-179469586-A-G.
Other names: c.49307T>C, p.Ile16436Thr (NM_001256850.1); c.27035T>C, p.Ile9012Thr (NM_003319.4); c.46526T>C, p.Ile15509Thr (NM_133378.4); c.27410T>C, p.Ile9137Thr (NM_133432.3); c.27611T>C, p.Ile9204Thr (NM_133437.4); short protein forms I18077T, I15509T, I9012T, I9204T, I16436T, I9137T.
Identifiers: ClinVar variation 1794949 (VCV001794949.2), dbSNP rs1261779331, ClinGen allele CA349554947.

ClinVar aggregate classification (germline): Uncertain significance (1 of 4 stars; one submission).

Conditions:
Cardiovascular phenotype. Identifiers: MedGen CN230736.

Allele frequency attached by ClinVar (database versions not stated): gnomAD exomes below 0.00001.
gnomAD v4.1: 1 of 1,612,340 alleles (0.000062%); highest among the groups gnomAD compares: East Asian, 0.0022%; no homozygotes.

Submission:

Ambry Genetics
Classification: Uncertain significance for Cardiovascular phenotype. Last evaluated: 2019-05-15. Review status: criteria provided, single submitter. Criteria: Ambry Variant Classification Scheme 2023. Collection method: clinical testing. Allele origin: germline.
Comment: The p.I9012T variant (also known as c.27035T>C), located in coding exon 108 of the TTN gene, results from a T to C substitution at nucleotide position 27035. The isoleucine at codon 9012 is replaced by threonine, an amino acid with similar properties. This amino acid position is highly conserved in available vertebrate species. In addition, this alteration is predicted to be tolerated by in silico analysis. Since supporting evidence is limited at this time, the clinical significance of this alteration remains unclear.